The following is an entry in ClinVar:

ClinVar aggregate classification (germline): Likely benign. Review status: criteria provided, multiple submitters, no conflicts (2 of 4 stars). 5 submissions from 5 submitters: Likely benign (4). 1 of the submissions does not count toward it. Last evaluated 2026-04-29.

Conditions:
RAD51D-related disorder. Also called: RAD51D-related condition.
Breast-ovarian cancer, familial, susceptibility to, 4. Identifiers: Orphanet 145, MedGen C3280345, MONDO:0013669, OMIM 614291.

Allele frequency attached by ClinVar (database versions not stated): gnomAD 0.00008 and 0.00009; TOPMed 0.00009; 1000 Genomes Project 30x 0.00016; 1000 Genomes Project 0.00020; ESP Exome Variant Server 0.00020; ExAC 0.00007.
gnomAD v4.1: 207 of 1,558,464 alleles (0.013%); highest among the groups gnomAD compares: Non-Finnish European, 0.017%; no homozygotes.

Submissions (5):

PreventionGenetics, part of Exact Sciences
Classification: Likely benign for RAD51D-related condition. Last evaluated: 2026-04-29. Review status: criteria provided, single submitter. Criteria: ACMG Guidelines, 2015. Collection method: clinical testing. Allele origin: germline.
Comment: This variant is classified as likely benign based on ACMG/AMP sequence variant interpretation guidelines (Richards et al. 2015 PMID: 25741868, with internal and published modifications).

Blueprint Genetics
Classification: Likely benign. Last evaluated: 2024-09-05. Review status: criteria provided, single submitter. Criteria: ACMG Guidelines, 2015. Collection method: clinical testing. Allele origin: germline.

Department of Pathology and Laboratory Medicine, Sinai Health System
Classification: Likely benign for Breast-ovarian cancer, familial, susceptibility to, 4. Last evaluated: 2023-10-03. Review status: criteria provided, single submitter. Criteria: ACMG Guidelines, 2015. Collection method: research. Allele origin: germline.

Labcorp Genetics (formerly Invitae), Labcorp
Classification: Likely benign for Breast-ovarian cancer, familial, susceptibility to, 4. Last evaluated: 2022-01-26. Review status: criteria provided, single submitter. Criteria: Invitae Variant Classification Sherloc (09022015). Collection method: clinical testing. Allele origin: germline.

Counsyl
Classification: Likely benign for Breast-ovarian cancer, familial, susceptibility to, 4. Last evaluated: 2017-10-30. Review status: no assertion criteria provided. Collection method: clinical testing. Allele origin: unknown. Not counted in ClinVar's aggregate classification.

NM_002878.4(RAD51D):c.263+1627C>T

Genes: RAD51L3-RFFL (RAD51L3-RFFL readthrough; minus strand), RAD51D (RAD51 paralog D; minus strand). Cytogenetic location: 17q12.
Variant type: single nucleotide variant.
Coding change: c.263+1627C>T on transcript NM_002878.4 (MANE Select); 1627 bases into the intron after coding-DNA position 263, C replaced by T.
Molecular consequence: intron variant. On other transcripts: missense variant (1).
Genome position (GRCh38, 1-based): chr17:35,116,874, G>A on the plus strand (C>T on the coding strand, the complement: RAD51D is on the minus strand). VCF-style: chr17-35116874-G-A. GRCh37 (hg19) VCF-style: chr17-33443893-G-A.
Other names: c.308C>T (NM_001142571.1); c.308C>T, p.Ala103Val (NM_001142571.2); c.144+2237C>T (NM_133629.3); short protein forms A103V.
Identifiers: ClinVar variation 548805 (VCV000548805.15), dbSNP rs188981311, ClinGen allele CA8499568.